The following is an entry in ClinVar:

NM_007078.3(LDB3):c.290A>G (p.Gln97Arg)

Gene: LDB3 (LIM domain binding 3; plus strand). Cytogenetic location: 10q23.2.
Variant type: single nucleotide variant.
Coding change: c.290A>G on transcript NM_007078.3 (MANE Select); coding-DNA position 290, A replaced by G.
Protein change: p.Gln97Arg; replaces glutamine 97 with arginine.
Molecular consequence: missense variant.
Genome position (GRCh38, 1-based): chr10:86,680,126, A>G. VCF-style: chr10-86680126-A-G. GRCh37 (hg19) VCF-style: chr10-88439883-A-G.
Other names: c.290A>G, p.Gln97Arg (NM_001080116.1, NM_001080114.2, NM_001080115.2 and 8 more transcripts); short protein forms Q97R.
Identifiers: ClinVar variation 217828 (VCV000217828.9), dbSNP rs762580653, ClinGen allele CA277836.

ClinVar aggregate classification (germline): Uncertain significance. Review status: criteria provided, multiple submitters, no conflicts (2 of 4 stars). 2 submissions from 2 submitters: Uncertain significance (2). Last evaluated 2022-09-27.

Conditions:
Hypertrophic cardiomyopathy 1 (CMH1). Also called: Familial hypertrophic cardiomyopathy 1; MYH7-Related Familial Hypertrophic Cardiomyopathy. Identifiers: MedGen C3495498, MONDO:0008647, OMIM 192600.
Myofibrillar myopathy 4. Also called: Zaspopathy (type). Identifiers: Orphanet 98912, MedGen C4721886, MONDO:0012277, OMIM 609452.

Allele frequency attached by ClinVar (database versions not stated): gnomAD below 0.00001 and 0.00001; gnomAD exomes below 0.00001 and 0.00001; ExAC 0.00001.
gnomAD v4.1: 8 of 1,614,088 alleles (0.0005%); highest among the groups gnomAD compares: South Asian, 0.0088%; no homozygotes.

Submissions (2):

Labcorp Genetics (formerly Invitae), Labcorp
Classification: Uncertain significance for Myofibrillar myopathy 4. Last evaluated: 2022-09-27. Review status: criteria provided, single submitter. Criteria: Invitae Variant Classification Sherloc (09022015). Collection method: clinical testing. Allele origin: germline.
Comment: This sequence change replaces glutamine, which is neutral and polar, with arginine, which is basic and polar, at codon 97 of the LDB3 protein (p.Gln97Arg). This variant is present in population databases (rs762580653, gnomAD 0.003%). This variant has not been reported in the literature in individuals affected with LDB3-related conditions. ClinVar contains an entry for this variant (Variation ID: 217828). Algorithms developed to predict the effect of missense changes on protein structure and function (SIFT, PolyPhen-2, Align-GVGD) all suggest that this variant is likely to be tolerated. In summary, the available evidence is currently insufficient to determine the role of this variant in disease. Therefore, it has been classified as a Variant of Uncertain Significance.

Agnes Ginges Centre for Molecular Cardiology, Centenary Institute
Classification: Uncertain significance for Hypertrophic cardiomyopathy 1. Last evaluated: 2015-03-11. Review status: criteria provided, single submitter. Criteria: Agnes Ginges Centre for Molecular Cardiology criteria (2015). Collection method: research. Allele origin: germline. Inheritance: Autosomal dominant inheritance. Affected: yes.
Comment: The LDB3 Gln97Arg is a rare variant and is present in the Exome Aggregation Consortium dataset (MAF=0.000008). who also carries another variant (MYBPC3 Arg1022His) of "uncertain significance". Computational tools SIFT and PolyPhen-2 predict this variant to be "tolerated" and "benign" respectively, however MutationTaster predicts the variant to be "disease-causing". In summary, based on the rarity in general populations and our limited familial data we have classify LDB3 Gln97Arg as a variant of "uncertain significance". Further evidence is required to fully understand its pathogenic role in HCM.